The following is an entry in ClinVar:

NM_006005.3(WFS1):c.665C>T (p.Ser222Phe)

Gene: WFS1 (wolframin ER transmembrane glycoprotein; plus strand). Cytogenetic location: 4p16.1.
Variant type: single nucleotide variant.
Coding change: c.665C>T on transcript NM_006005.3 (MANE Select); coding-DNA position 665, C replaced by T.
Protein change: p.Ser222Phe; replaces serine 222 with phenylalanine.
Molecular consequence: missense variant.
Genome position (GRCh38, 1-based): chr4:6,291,950, C>T. VCF-style: chr4-6291950-C-T. GRCh37 (hg19) VCF-style: chr4-6293677-C-T.
Other names: c.665C>T, p.Ser222Phe (NM_001145853.1); short protein forms S222F.
Identifiers: ClinVar variation 3613258 (VCV003613258.2).

ClinVar aggregate classification (germline): Uncertain significance (1 of 4 stars; one submission).

Submission:

Labcorp Genetics (formerly Invitae), Labcorp
Classification: Uncertain significance. Last evaluated: 2024-11-06. Review status: criteria provided, single submitter. Criteria: Invitae Variant Classification Sherloc (09022015). Collection method: clinical testing. Allele origin: germline.
Comment: This sequence change replaces serine, which is neutral and polar, with phenylalanine, which is neutral and non-polar, at codon 222 of the WFS1 protein (p.Ser222Phe). This variant is not present in population databases (gnomAD no frequency). This variant has not been reported in the literature in individuals affected with WFS1-related conditions. An algorithm developed to predict the effect of missense changes on protein structure and function outputs the following: PolyPhen-2: "Benign". The phenylalanine amino acid residue is found in multiple mammalian species, which suggests that this missense change does not adversely affect protein function. In summary, the available evidence is currently insufficient to determine the role of this variant in disease. Therefore, it has been classified as a Variant of Uncertain Significance.